The following is an entry in ClinVar:

NM_006397.3(RNASEH2A):c.549+4A>G

Gene: RNASEH2A (ribonuclease H2 subunit A; plus strand). Cytogenetic location: 19p13.13.
Variant type: single nucleotide variant.
Coding change: c.549+4A>G on transcript NM_006397.3 (MANE Select); 4 bases into the intron after coding-DNA position 549, A replaced by G.
Molecular consequence: intron variant.
Genome position (GRCh38, 1-based): chr19:12,810,212, A>G. VCF-style: chr19-12810212-A-G. GRCh37 (hg19) VCF-style: chr19-12921026-A-G.
Identifiers: ClinVar variation 2025399 (VCV002025399.1), dbSNP rs1383184346, ClinGen allele CA783393717.
Genomic context (GRCh38, chr19:12,810,212, plus strand): 5'-AAGGCCAAAGCAGATGCCCTCTACCCGGTGGTTAGTGCTGCCAGCATCTGTGCCAAGGTC[A>G]GTACCCTACTAGCCATGGCTGGCTTCCACCATCCCACTATATAGGGGCCAGGCATGGCCA-3'

ClinVar aggregate classification (germline): Uncertain significance (1 of 4 stars; one submission).

Conditions:
Aicardi-Goutieres syndrome 4. Identifiers: Orphanet 51, MedGen C1835912, MONDO:0012472, OMIM 610333.

Allele frequency attached by ClinVar (database versions not stated): TOPMed below 0.00001; gnomAD 0.00001.

Submission:

Labcorp Genetics (formerly Invitae), Labcorp
Classification: Uncertain significance for Aicardi-Goutieres syndrome 4. Last evaluated: 2022-04-06. Review status: criteria provided, single submitter. Criteria: Invitae Variant Classification Sherloc (09022015). Collection method: clinical testing. Allele origin: germline.
Comment: This sequence change falls in intron 5 of the RNASEH2A gene. It does not directly change the encoded amino acid sequence of the RNASEH2A protein. It affects a nucleotide within the consensus splice site. This variant is not present in population databases (gnomAD no frequency). This variant has not been reported in the literature in individuals affected with RNASEH2A-related conditions. Variants that disrupt the consensus splice site are a relatively common cause of aberrant splicing (PMID: 17576681, 9536098). Algorithms developed to predict the effect of sequence changes on RNA splicing suggest that this variant is not likely to affect RNA splicing. In summary, the available evidence is currently insufficient to determine the role of this variant in disease. Therefore, it has been classified as a Variant of Uncertain Significance.

Literature cited by the submitters: PubMed 17576681; PubMed 9536098.